The following is an entry in ClinVar:

ClinVar aggregate classification (germline): Uncertain significance (1 of 4 stars; one submission).

Allele frequency attached by ClinVar (database versions not stated): gnomAD 0.00001; TOPMed 0.00001.

Submission:

Labcorp Genetics (formerly Invitae), Labcorp
Classification: Uncertain significance. Last evaluated: 2024-08-13. Review status: criteria provided, single submitter. Criteria: Invitae Variant Classification Sherloc (09022015). Collection method: clinical testing. Allele origin: germline.
Comment: This sequence change replaces glycine, which is neutral and non-polar, with aspartic acid, which is acidic and polar, at codon 351 of the ACAN protein (p.Gly351Asp). This variant is present in population databases (no rsID available, gnomAD 0.0009%). This variant has not been reported in the literature in individuals affected with ACAN-related conditions. ClinVar contains an entry for this variant (Variation ID: 2057971). Experimental studies and prediction algorithms are not available or were not evaluated, and the functional significance of this variant is currently unknown. In summary, the available evidence is currently insufficient to determine the role of this variant in disease. Therefore, it has been classified as a Variant of Uncertain Significance.

NM_001369268.1(ACAN):c.1052G>A (p.Gly351Asp)

Gene: ACAN (aggrecan; plus strand). Cytogenetic location: 15q26.1.
Variant type: single nucleotide variant.
Coding change: c.1052G>A on transcript NM_001369268.1 (MANE Select); coding-DNA position 1052, G replaced by A.
Protein change: p.Gly351Asp; replaces glycine 351 with aspartic acid.
Molecular consequence: missense variant.
Genome position (GRCh38, 1-based): chr15:88,845,505, G>A. VCF-style: chr15-88845505-G-A. GRCh37 (hg19) VCF-style: chr15-89388736-G-A.
Other names: c.1052G>A, p.Gly351Asp (NM_001135.4, NM_001411096.1, NM_001411097.1 and 1 more transcripts); short protein forms G351D.
Identifiers: ClinVar variation 2057971 (VCV002057971.4), dbSNP rs1013537550, ClinGen allele CA274470429.
Genomic context (GRCh38, chr15:88,845,505, plus strand): 5'-CATCCCCCTCAAGCCGGTCCCAGGCTGAGAGGCTAAAGCTTGTCTTTGCCCCTCCCCTAG[G>A]TGAAGACTTTGTGGACATCCCAGAAAACTTCTTTGGAGTGGGGGGTGAGGAGGACATCAC-3'
Protein context (NP_001356197.1, residues 341-361): SSRYDAICYT[Gly351Asp]EDFVDIPENF